The following is an entry in ClinVar:

ClinVar aggregate classification (germline): Pathogenic (1 of 4 stars; one submission).

Conditions:
Severe combined immunodeficiency, autosomal recessive, T cell-negative, B cell-negative, NK cell-positive. Also called: SCID, T CELL-NEGATIVE, B CELL-NEGATIVE, NK CELL-POSITIVE; Severe combined immunodeficiency due to complete RAG1/2 deficiency; SCID, AR, T-cell negative, B-cell negative, NK cell-positive. Identifiers: Orphanet 331206, MedGen C1832322, MONDO:0011086, OMIM 601457.
Combined immunodeficiency with skin granulomas. Identifiers: Orphanet 157949, MedGen C2673536, MONDO:0009306, OMIM 233650.

Submission:

Labcorp Genetics (formerly Invitae), Labcorp
Classification: Pathogenic for Combined immunodeficiency with skin granulomas; Severe combined immunodeficiency, autosomal recessive, T cell-negative, B cell-negative, NK cell-positive. Last evaluated: 2023-06-23. Review status: criteria provided, single submitter. Criteria: Invitae Variant Classification Sherloc (09022015). Collection method: clinical testing. Allele origin: germline.
Comment: For these reasons, this variant has been classified as Pathogenic. This variant disrupts a region of the RAG1 protein in which other variant(s) (p.Trp959*) have been determined to be pathogenic (PMID: 11133745, 24290284, 24406074). This suggests that this is a clinically significant region of the protein, and that variants that disrupt it are likely to be disease-causing. ClinVar contains an entry for this variant (Variation ID: 2042280). This sequence change creates a premature translational stop signal (p.Tyr551*) in the RAG1 gene. While this is not anticipated to result in nonsense mediated decay, it is expected to disrupt the last 493 amino acid(s) of the RAG1 protein. This variant is not present in population databases (gnomAD no frequency). This variant has not been reported in the literature in individuals affected with RAG1-related conditions.

Literature cited by the submitters: PubMed 11133745; PubMed 24290284; PubMed 24406074.

NM_000448.3(RAG1):c.1653C>G (p.Tyr551Ter)

Gene: RAG1 (recombination activating 1; plus strand). Cytogenetic location: 11p12.
Variant type: single nucleotide variant.
Coding change: c.1653C>G on transcript NM_000448.3 (MANE Select); coding-DNA position 1653, C replaced by G.
Protein change: p.Tyr551Ter; replaces tyrosine 551 with a stop codon.
Molecular consequence: nonsense.
Genome position (GRCh38, 1-based): chr11:36,574,957, C>G. VCF-style: chr11-36574957-C-G. GRCh37 (hg19) VCF-style: chr11-36596507-C-G.
Other names: c.1653C>G, p.Tyr551Ter (NM_001377277.1, NM_001377278.1, NM_001377279.1 and 1 more transcripts); short protein forms Y551*.
Identifiers: ClinVar variation 2042280 (VCV002042280.4), dbSNP rs901089989, ClinGen allele CA380152995.